The following is an entry in ClinVar:

NM_000222.3(KIT):c.1881G>A (p.Pro627=)

Gene: KIT (KIT proto-oncogene, receptor tyrosine kinase; plus strand). Cytogenetic location: 4q12.
Variant type: single nucleotide variant.
Coding change: c.1881G>A on transcript NM_000222.3 (MANE Select); coding-DNA position 1881, G replaced by A.
Protein change: p.Pro627=; no amino-acid change (proline 627 retained).
Molecular consequence: synonymous variant.
Genome position (GRCh38, 1-based): chr4:54,728,012, G>A. VCF-style: chr4-54728012-G-A. GRCh37 (hg19) VCF-style: chr4-55594178-G-A.
Other names: c.1869G>A, p.Pro623= (NM_001093772.2, NM_001385286.1); c.1884G>A, p.Pro628= (NM_001385284.1, NM_001385290.1); c.1881G>A, p.Pro627= (NM_001385285.1); c.1872G>A, p.Pro624= (NM_001385288.1, NM_001385292.1).
Identifiers: ClinVar variation 528641 (VCV000528641.14), dbSNP rs971280269, ClinGen allele CA96876094.

ClinVar aggregate classification (germline): Conflicting classifications of pathogenicity. Review status: criteria provided, conflicting classifications (1 of 4 stars). 3 submissions from 3 submitters: Uncertain significance (1); Benign (1); Likely benign (1). Last evaluated 2026-06-04.

Conditions:
Hereditary cancer-predisposing syndrome. Also called: Hereditary neoplastic syndrome; Neoplastic Syndromes, Hereditary; Hereditary Cancer Syndrome; Tumor predisposition. Identifiers: Orphanet 140162, MedGen C0027672, MeSH D009386, MONDO:0015356.
Gastrointestinal stromal tumor. Also called: Gastrointestinal stromal tumor, somatic; Gastrointestinal stroma tumor. Identifiers: Orphanet 44890, MedGen C0238198, MeSH D046152, MONDO:0011719, OMIM 606764, HP:0100723.

Allele frequency attached by ClinVar (database versions not stated): gnomAD 0.00001; gnomAD exomes 0.00001; TOPMed 0.00001.
gnomAD v4.1: 12 of 1,613,664 alleles (0.00074%); highest among the groups gnomAD compares: Non-Finnish European, 0.00093%; no homozygotes.

Submissions (3):

Myriad Genetics, Inc.
Classification: Benign for Gastrointestinal stromal tumor. Last evaluated: 2026-06-04. Review status: criteria provided, single submitter. Criteria: Myriad Autosomal Dominant, Autosomal Recessive and X-Linked Classification Criteria (2023). Collection method: clinical testing. Allele origin: unknown.
Comment: This variant is considered benign. This variant is a silent/synonymous amino acid change and it is not expected to impact splicing.

Labcorp Genetics (formerly Invitae), Labcorp
Classification: Likely benign for Gastrointestinal stromal tumor. Last evaluated: 2025-05-12. Review status: criteria provided, single submitter. Criteria: Invitae Variant Classification Sherloc (09022015). Collection method: clinical testing. Allele origin: germline.

Ambry Genetics
Classification: Uncertain significance for Hereditary cancer-predisposing syndrome. Last evaluated: 2025-02-25. Review status: criteria provided, single submitter. Criteria: Ambry Variant Classification Scheme 2023. Collection method: clinical testing. Allele origin: germline.
Comment: The c.1881G>A variant (also known as p.P627P), located in coding exon 13 of the KIT gene, results from a G to A substitution at nucleotide position 1881. This nucleotide substitution does not change the amino acid at codon 627. This nucleotide position is poorly conserved in available vertebrate species. In silico splice site analysis predicts that this alteration may result in the creation or strengthening of a novel splice acceptor site. Based on the available evidence, the clinical significance of this variant remains unclear.